The following is an entry in ClinVar:

NM_001003841.3(SLC6A19):c.293G>A (p.Arg98Gln)

Gene: SLC6A19 (solute carrier family 6 member 19; plus strand). Cytogenetic location: 5p15.33.
Variant type: single nucleotide variant.
Coding change: c.293G>A on transcript NM_001003841.3 (MANE Select); coding-DNA position 293, G replaced by A.
Protein change: p.Arg98Gln; replaces arginine 98 with glutamine.
Molecular consequence: missense variant.
Genome position (GRCh38, 1-based): chr5:1,208,836, G>A. VCF-style: chr5-1208836-G-A. GRCh37 (hg19) VCF-style: chr5-1208951-G-A.
Other names: short protein forms R98Q.
Identifiers: ClinVar variation 1380307 (VCV001380307.5), dbSNP rs369605197, ClinGen allele CA3182644.
Genomic context (GRCh38, chr5:1,208,836, plus strand): 5'-TGGTCCTGGAGGGCATCCCCCTGCTGTACCTGGAGTTCGCCATCGGGCAGCGGCTGCGGC[G>A]GGGCAGCCTGGGTGTGTGGAGCTCCATCCACCCGGCCCTGAAGGGCCTAGGTGAGTGCCT-3'
Protein context (NP_001003841.1, residues 88-108): LEFAIGQRLR[Arg98Gln]GSLGVWSSIH

ClinVar aggregate classification (germline): Uncertain significance. Review status: criteria provided, multiple submitters, no conflicts (2 of 4 stars). 2 submissions from 2 submitters: Uncertain significance (2). Last evaluated 2022-11-22.

Conditions:
Hyperglycinuria. Also called: IMINOGLYCINURIA TYPE II; GLYCINURIA WITH OR WITHOUT OXALATE NEPHROLITHIASIS; GLYCINURIA WITH OR WITHOUT OXALATE UROLITHIASIS. Identifiers: MedGen C0543541, MONDO:0007677, OMIM 138500, HP:0003108.
Neutral 1 amino acid transport defect (HND). Also called: HARTNUP DISORDER; Hartnup disease. Identifiers: Orphanet 2116, MedGen C0018609, MONDO:0009324, OMIM 234500.
Iminoglycinuria. Identifiers: Orphanet 42062, MedGen C0268654, MONDO:0009448, OMIM 242600.

Allele frequency attached by ClinVar (database versions not stated): gnomAD exomes 0.00002 and 0.00003; ExAC 0.00003; gnomAD 0.00004; TOPMed 0.00005; ESP Exome Variant Server 0.00008.
gnomAD v4.1: 40 of 1,613,042 alleles (0.0025%); highest among the groups gnomAD compares: African/African-American, 0.012%; no homozygotes.

Submissions (2):

Labcorp Genetics (formerly Invitae), Labcorp
Classification: Uncertain significance. Last evaluated: 2022-11-22. Review status: criteria provided, single submitter. Criteria: Invitae Variant Classification Sherloc (09022015). Collection method: clinical testing. Allele origin: germline.
Comment: Advanced modeling of protein sequence and biophysical properties (such as structural, functional, and spatial information, amino acid conservation, physicochemical variation, residue mobility, and thermodynamic stability) performed at Invitae indicates that this missense variant is not expected to disrupt SLC6A19 protein function. In summary, the available evidence is currently insufficient to determine the role of this variant in disease. Therefore, it has been classified as a Variant of Uncertain Significance. ClinVar contains an entry for this variant (Variation ID: 1380307). This variant has not been reported in the literature in individuals affected with SLC6A19-related conditions. This variant is present in population databases (rs369605197, gnomAD 0.008%). This sequence change replaces arginine, which is basic and polar, with glutamine, which is neutral and polar, at codon 98 of the SLC6A19 protein (p.Arg98Gln).

Fulgent Genetics
Classification: Uncertain significance for Hyperglycinuria; Neutral 1 amino acid transport defect; Iminoglycinuria. Last evaluated: 2022-03-17. Review status: criteria provided, single submitter. Criteria: ACMG Guidelines, 2015. Collection method: clinical testing. Allele origin: unknown.